The following is an entry in ClinVar:

ClinVar aggregate classification (germline): Conflicting classifications of pathogenicity. Review status: criteria provided, conflicting classifications (1 of 4 stars). 4 submissions from 4 submitters: Uncertain significance (1); Likely benign (2). 1 of the submissions does not count toward it. Last evaluated 2025-12-15.

Conditions:
INPPL1-related disorder. Also called: INPPL1-related condition.

Allele frequency attached by ClinVar (database versions not stated): gnomAD exomes 0.00052; ExAC 0.00056; ESP Exome Variant Server 0.00139; gnomAD 0.00177 and 0.00199; 1000 Genomes Project 0.00200; TOPMed 0.00208; 1000 Genomes Project 30x 0.00234.
gnomAD v4.1: 565 of 1,614,016 alleles (0.035%); highest among the groups gnomAD compares: African/African-American, 0.6%; 1 homozygote.

Submissions (4):

Labcorp Genetics (formerly Invitae), Labcorp
Classification: Likely benign. Last evaluated: 2025-12-15. Review status: criteria provided, single submitter. Criteria: Invitae Variant Classification Sherloc (09022015). Collection method: clinical testing. Allele origin: germline.

Blueprint Genetics
Classification: Likely benign. Last evaluated: 2024-11-14. Review status: criteria provided, single submitter. Criteria: ACMG Guidelines, 2015. Collection method: clinical testing. Allele origin: germline.

GeneDx
Classification: Uncertain significance. Last evaluated: 2020-12-31. Review status: criteria provided, single submitter. Criteria: GeneDx Variant Classification Process June 2021. Collection method: clinical testing. Allele origin: germline. Affected: yes.
Comment: In silico analysis supports that this missense variant has a deleterious effect on protein structure/function; Has not been previously published as pathogenic or benign to our knowledge

PreventionGenetics, part of Exact Sciences
Classification: Likely benign for INPPL1-related condition. Last evaluated: 2019-05-20. Review status: no assertion criteria provided. Collection method: clinical testing. Allele origin: germline. Not counted in ClinVar's aggregate classification.
Comment: This variant is classified as likely benign based on ACMG/AMP sequence variant interpretation guidelines (Richards et al. 2015 PMID: 25741868, with internal and published modifications).

NM_001567.4(INPPL1):c.1343C>T (p.Ser448Leu)

Gene: INPPL1 (inositol polyphosphate phosphatase like 1; plus strand). Cytogenetic location: 11q13.4.
Variant type: single nucleotide variant.
Coding change: c.1343C>T on transcript NM_001567.4 (MANE Select); coding-DNA position 1343, C replaced by T.
Protein change: p.Ser448Leu; replaces serine 448 with leucine.
Molecular consequence: missense variant.
Genome position (GRCh38, 1-based): chr11:72,231,035, C>T. VCF-style: chr11-72231035-C-T. GRCh37 (hg19) VCF-style: chr11-71942079-C-T.
Other names: short protein forms S448L.
Identifiers: ClinVar variation 787381 (VCV000787381.16), dbSNP rs139442327, ClinGen allele CA6170007.